The following is an entry in ClinVar:

NM_000141.5(FGFR2):c.1808T>A (p.Leu603Ter)

Gene: FGFR2 (fibroblast growth factor receptor 2; minus strand). Cytogenetic location: 10q26.13.
Variant type: single nucleotide variant.
Coding change: c.1808T>A on transcript NM_000141.5 (MANE Select); coding-DNA position 1808, T replaced by A.
Protein change: p.Leu603Ter; replaces leucine 603 with a stop codon.
Molecular consequence: nonsense. On other transcripts: non-coding transcript variant (1).
Genome position (GRCh38, 1-based): chr10:121,496,587, A>T on the plus strand (T>A on the coding strand, the complement: FGFR2 is on the minus strand). VCF-style: chr10-121496587-A-T. GRCh37 (hg19) VCF-style: chr10-123256101-A-T.
Other names: c.1811T>A, p.Leu604Ter (NM_001144913.1, NM_022970.4); c.1472T>A, p.Leu491Ter (NM_001144914.1); c.1541T>A, p.Leu514Ter (NM_001144915.2, NM_023029.3); c.1463T>A, p.Leu488Ter (NM_001144916.2); c.1460T>A, p.Leu487Ter (NM_001144917.2); c.1457T>A, p.Leu486Ter (NM_001144918.2); c.1544T>A, p.Leu515Ter (NM_001144919.2); c.1124T>A, p.Leu375Ter (NM_001320654.2); and 1 more; short protein forms L375*, L486*, L487*, L488*, L491*, L514*, L515*, L601*.
Identifiers: ClinVar variation 2579608 (VCV002579608.1), dbSNP rs2133935949, ClinGen allele CA378319486.
Genomic context (GRCh38, chr10:121,496,587, plus strand): 5'-CTCACTTTTTGGGAAGCCAAGTACTCCATGCCTCTGGCCAGCTGGTAGGTGCATGACACC[A>T]AGTCCTTGAAGGTCATCTGCTCCTCAGGAACACGGTTAATGTCATAGGAGTACTCCATCC-3'

ClinVar aggregate classification (germline): Uncertain significance (1 of 4 stars; one submission).

Submission:

GeneDx
Classification: Uncertain significance. Last evaluated: 2023-03-09. Review status: criteria provided, single submitter. Criteria: GeneDx Variant Classification Process June 2021. Collection method: clinical testing. Allele origin: germline. Affected: yes.
Comment: Nonsense variant predicted to result in protein truncation or nonsense mediated decay in a gene for which loss-of-function is not a known mechanism of disease;; Not observed at significant frequency in large population cohorts (gnomAD); Has not been previously published as pathogenic or benign to our knowledge